The following is an entry in ClinVar:

NM_001267550.2(TTN):c.59902C>T (p.Pro19968Ser)

Genes: TTN (titin; minus strand), TTN-AS1 (TTN antisense RNA 1; plus strand), LOC126806424 (CDK7 strongly-dependent group 2 enhancer GRCh37_chr2:179456337-179457536; plus strand). Cytogenetic location: 2q31.2.
Variant type: single nucleotide variant.
Coding change: c.59902C>T on transcript NM_001267550.2 (MANE Select); coding-DNA position 59902, C replaced by T.
Protein change: p.Pro19968Ser; replaces proline 19968 with serine.
Molecular consequence: missense variant.
Genome position (GRCh38, 1-based): chr2:178,592,002, G>A on the plus strand (C>T on the coding strand, the complement: TTN is on the minus strand). VCF-style: chr2-178592002-G-A. GRCh37 (hg19) VCF-style: chr2-179456729-G-A.
Other names: p.P18327S:CCA>TCA; c.54979C>T, p.Pro18327Ser (NM_001256850.1); c.32707C>T, p.Pro10903Ser (NM_003319.4); c.52198C>T, p.Pro17400Ser (NM_133378.4); c.33082C>T, p.Pro11028Ser (NM_133432.3); c.33283C>T, p.Pro11095Ser (NM_133437.4); short protein forms P18327S, P19968S, P10903S, P11028S, P11095S, P17400S.
Identifiers: ClinVar variation 202745 (VCV000202745.2), dbSNP rs758407490, ClinGen allele CA310155.

ClinVar aggregate classification (germline): Uncertain significance (1 of 4 stars; one submission).

Submission:

GeneDx
Classification: Uncertain significance. Last evaluated: 2014-06-16. Review status: criteria provided, single submitter. Criteria: GeneDx Variant Classification (06012015). Collection method: clinical testing. Allele origin: germline. Affected: yes.
Comment: Missense variants in the TTN gene are considered 'unclassified' if they are not previously reported in the literature and do not have >1% frequency in the population to be considered a polymorphism. Research indicates that truncating mutations in the TTN gene are expected to account for approximately 25% of familial and 18% of sporadic idiopathic DCM; however, truncating variants in the TTN gene have been reported in approximately 3% of reported control alleles. There has been little investigation into non-truncating variants. (Herman D et al. Truncations of titin causing dilated cardiomyopathy. N Eng J Med 366:619-628, 2012) The variant is found in CARDIOMYOPATHY panel(s).